The following is an entry in ClinVar:

NM_001142730.3(KCTD1):c.2384C>T (p.Ser795Leu)

Gene: KCTD1 (potassium channel tetramerization domain containing 1; minus strand). Cytogenetic location: 18q11.2.
Variant type: single nucleotide variant.
Coding change: c.2384C>T on transcript NM_001142730.3 (MANE Select); coding-DNA position 2384, C replaced by T.
Protein change: p.Ser795Leu; replaces serine 795 with leucine.
Molecular consequence: missense variant.
Genome position (GRCh38, 1-based): chr18:26,459,675, G>A on the plus strand (C>T on the coding strand, the complement: KCTD1 is on the minus strand). VCF-style: chr18-26459675-G-A. GRCh37 (hg19) VCF-style: chr18-24039639-G-A.
Other names: c.2384C>T (NM_001142730.1); c.560C>T, p.Ser187Leu (NM_001136205.2, NM_001258221.2, NM_001351443.1 and 1 more transcripts); c.584C>T, p.Ser195Leu (NM_001258222.3); short protein forms S187L, S195L, S795L.
Identifiers: ClinVar variation 1307491 (VCV001307491.4), dbSNP rs370694764, ClinGen allele CA297622165.

ClinVar aggregate classification (germline): Uncertain significance. Review status: criteria provided, multiple submitters, no conflicts (2 of 4 stars). 3 submissions from 3 submitters: Uncertain significance (3). Last evaluated 2024-09-11.

Conditions:
Scalp-ear-nipple syndrome (SENS). Also called: FINLAY-MARKS SYNDROME; Hereditary syndrome of lumpy scalp, odd ears and rudimentary nipples; SEN SYNDROME. Identifiers: Orphanet 2036, MedGen C1867020, MONDO:0008404, OMIM 181270.

Allele frequency attached by ClinVar (database versions not stated): gnomAD exomes below 0.00001 and 0.00001; gnomAD 0.00003; TOPMed 0.00005; ESP Exome Variant Server 0.00008.
gnomAD v4.1: 11 of 1,612,520 alleles (0.00068%); highest among the groups gnomAD compares: African/African-American, 0.0027%; no homozygotes.

Submissions (3):

Ambry Genetics
Classification: Uncertain significance. Last evaluated: 2024-09-11. Review status: criteria provided, single submitter. Criteria: Ambry Variant Classification Scheme 2023. Collection method: clinical testing. Allele origin: germline.

Fulgent Genetics
Classification: Uncertain significance for Scalp-ear-nipple syndrome. Last evaluated: 2021-11-16. Review status: criteria provided, single submitter. Criteria: ACMG Guidelines, 2015. Collection method: clinical testing. Allele origin: unknown.

GeneDx
Classification: Uncertain significance. Last evaluated: 2019-08-14. Review status: criteria provided, single submitter. Criteria: GeneDx Variant Classification Process June 2021. Collection method: clinical testing. Allele origin: germline. Affected: yes.
Comment: In silico analysis, which includes protein predictors and evolutionary conservation, supports a deleterious effect; Has not been previously published as pathogenic or benign to our knowledge